The following is an entry in ClinVar:

ClinVar aggregate classification (germline): Conflicting classifications of pathogenicity. Review status: criteria provided, conflicting classifications (1 of 4 stars). 3 submissions from 2 submitters: Uncertain significance (2); Likely benign (1). Last evaluated 2022-09-09.

Conditions:
Transitory neonatal diabetes mellitus. Also called: Transient neonatal diabetes mellitus. Identifiers: MedGen C0342273, MONDO:0020525, HP:0008255.
Maturity-onset diabetes of the young (MODY). Also called: Maturity onset diabetes mellitus in young. Identifiers: Orphanet 552, MedGen C0342276, MONDO:0018911, HP:0004904.

Allele frequency attached by ClinVar (database versions not stated): ExAC 0.00001; gnomAD 0.00001; gnomAD exomes 0.00001.
gnomAD v4.1: 21 of 1,614,026 alleles (0.0013%); highest among the groups gnomAD compares: Non-Finnish European, 0.0016%; no homozygotes.

Submissions (3):

Labcorp Genetics (formerly Invitae), Labcorp
Classification: Likely benign. Last evaluated: 2022-09-09. Review status: criteria provided, single submitter. Criteria: Invitae Variant Classification Sherloc (09022015). Collection method: clinical testing. Allele origin: germline.

Clinical Genomics, Uppaluri K&H Personalized Medicine Clinic
Classification: Uncertain significance for Transitory neonatal diabetes mellitus. Review status: criteria provided, single submitter. Criteria: K & H Uppaluri Personalized Medicine Clinic Variant Classification & Assertion Criteria_Updated V.1. Collection method: research. Allele origin: unknown. Inheritance: Somatic mutation.
Comment: Mutations in ABCC8 gene are associated with both neonatal diabetes mellitus as well as MODY. Patients with this mutation may have a better response to sulfonylureas. However, no sufficient evidence is found to ascertain the role of this particular variant ( rs752188418) in neonatal diabetes yet.

Clinical Genomics, Uppaluri K&H Personalized Medicine Clinic
Classification: Uncertain significance for Maturity-onset diabetes of the young. Review status: criteria provided, single submitter. Criteria: K & H Uppaluri Personalized Medicine Clinic Variant Classification & Assertion Criteria_Updated V.1. Collection method: research. Allele origin: unknown. Inheritance: Somatic mutation.
Comment: Mutations in ABCC8 gene are associated with both neonatal diabetes mellitus as well as MODY. Patients with this mutation may have a better response to sulfonylureas. However, no sufficient evidence is found to ascertain the role of this particular variant ( rs752188418) in MODY yet.

Literature cited by the submitters: PubMed 16885549 (cited by Clinical Genomics, Uppaluri K&H Personalized Medicine Clinic); PubMed 21989597 (cited by Clinical Genomics, Uppaluri K&H Personalized Medicine Clinic); PubMed 27538677 (cited by Clinical Genomics, Uppaluri K&H Personalized Medicine Clinic); PubMed 18981553 (cited by Clinical Genomics, Uppaluri K&H Personalized Medicine Clinic); PubMed 32027066 (cited by Clinical Genomics, Uppaluri K&H Personalized Medicine Clinic); PubMed 16613899 (cited by Clinical Genomics, Uppaluri K&H Personalized Medicine Clinic); PubMed 18025408 (cited by Clinical Genomics, Uppaluri K&H Personalized Medicine Clinic); PubMed 32792356 (cited by Clinical Genomics, Uppaluri K&H Personalized Medicine Clinic).

NM_000352.6(ABCC8):c.993C>T (p.Asn331=)

Gene: ABCC8 (ATP binding cassette subfamily C member 8; minus strand). Cytogenetic location: 11p15.1.
Variant type: single nucleotide variant.
Coding change: c.993C>T on transcript NM_000352.6 (MANE Select); coding-DNA position 993, C replaced by T.
Protein change: p.Asn331=; no amino-acid change (asparagine 331 retained).
Molecular consequence: synonymous variant. On other transcripts: non-coding transcript variant (1).
Genome position (GRCh38, 1-based): chr11:17,460,506, G>A on the plus strand (C>T on the coding strand, the complement: ABCC8 is on the minus strand). VCF-style: chr11-17460506-G-A. GRCh37 (hg19) VCF-style: chr11-17482053-G-A.
Other names: c.993C>T, p.Asn331= (NM_001287174.3, NM_001351295.2); c.990C>T, p.Asn330= (NM_001351296.2, NM_001351297.2).
Identifiers: ClinVar variation 799128 (VCV000799128.11), dbSNP rs752188418, ClinGen allele CA5903708.